The following is an entry in ClinVar:

NM_001377.3(DYNC2H1):c.10900C>T (p.Pro3634Ser)

Gene: DYNC2H1 (dynein cytoplasmic 2 heavy chain 1; plus strand). Cytogenetic location: 11q22.3.
Variant type: single nucleotide variant.
Coding change: c.10900C>T on transcript NM_001377.3 (MANE Select); coding-DNA position 10900, C replaced by T.
Protein change: p.Pro3634Ser; replaces proline 3634 with serine.
Molecular consequence: missense variant.
Genome position (GRCh38, 1-based): chr11:103,286,264, C>T. VCF-style: chr11-103286264-C-T. GRCh37 (hg19) VCF-style: chr11-103156993-C-T.
Other names: c.10921C>T, p.Pro3641Ser (NM_001080463.2); short protein forms P3641S, P3634S.
Identifiers: ClinVar variation 446555 (VCV000446555.6), dbSNP rs769053227, ClinGen allele CA6255112.
Genomic context (GRCh38, chr11:103,286,264, plus strand): 5'-GTGCTTATATTTGCTTATAGCTCACTGTATATGGCCATTTTTATTTTTTAGATTGCTCTC[C>T]CCAGTCTTTATCAGACCCTCTGCTTTGAAGATGCAGCTCTGTGGCGTACTTATTATAATA-3'
Protein context (NP_001368.2, residues 3624-3644): WAVATLKIAL[Pro3634Ser]SLYQTLCFED

ClinVar aggregate classification (germline): Uncertain significance. Review status: criteria provided, multiple submitters, no conflicts (2 of 4 stars). 5 submissions from 5 submitters: Uncertain significance (2). 3 of the submissions do not count toward it. Last evaluated 2024-10-03.

Conditions:
Jeune thoracic dystrophy. Also called: Jeune syndrome; Infantile thoracic dystrophy; Thoracic pelvic phalangeal dystrophy; Jeune's syndrome; Chondroectodermal dysplasia-like syndrome; Short-rib thoracic dysplasia. Identifiers: Orphanet 474, MedGen C0265275, MONDO:0018770.
DYNC2H1-related disorder. Also called: DYNC2H1-related condition; DYNC2H1-related disorders. Identifiers: MedGen CN378770.

Allele frequency attached by ClinVar (database versions not stated): gnomAD exomes below 0.00001; ExAC 0.00001.
gnomAD v4.1: 6 of 1,613,218 alleles (0.00037%); highest among the groups gnomAD compares: Non-Finnish European, 0.00051%; no homozygotes.

Submissions (5):

Blueprint Genetics
Classification: Uncertain significance. Last evaluated: 2024-10-03. Review status: criteria provided, single submitter. Criteria: ACMG Guidelines, 2015. Collection method: clinical testing. Allele origin: germline.

Women's Health and Genetics/Laboratory Corporation of America, LabCorp
Classification: Uncertain significance. Last evaluated: 2023-08-10. Review status: criteria provided, single submitter. Criteria: LabCorp Variant Classification Summary - May 2015. Collection method: clinical testing. Allele origin: germline.
Comment: Variant summary: DYNC2H1 c.10921C>T (p.Pro3641Ser) results in a non-conservative amino acid change in the encoded protein sequence. Four of five in-silico tools predict a damaging effect of the variant on protein function. The variant allele was found at a frequency of 4e-06 in 248336 control chromosomes (gnomAD). The available data on variant occurrences in the general population are insufficient to allow any conclusion about variant significance. c.10921C>T has been reported in the literature as a compound heterozygous genotype together with a pathogenic variant in a neonate affected with Short-rib thoracic dysplasia (asphyxiating thoracic dystrophy) (Zhang_2018). These data do not allow any strong conclusion about variant significance. To our knowledge, no experimental evidence demonstrating an impact on protein function has been reported. The following publication has been ascertained in the context of this evaluation (PMID: 29068549). No clinical diagnostic laboratories have cited clinical-significance assessments for this variant to ClinVar after 2014. Based on the evidence outlined above, the variant was classified as uncertain significance.

PreventionGenetics, part of Exact Sciences
Classification: Likely pathogenic for DYNC2H1-related condition. Last evaluated: 2024-05-21. Review status: no assertion criteria provided. Collection method: clinical testing. Allele origin: germline. Not counted in ClinVar's aggregate classification.
Comment: The DYNC2H1 c.10921C>T variant is predicted to result in the amino acid substitution p.Pro3641Ser. This variant along with another DYNC2H1 truncating variant was reported in one patient with asphyxiating thoracic dystrophy (see Table S2, Zhang et al. 2018. PubMed ID: 29068549). This variant is reported in 0.00089% of alleles in individuals of European (non-Finnish) descent in gnomAD. This variant is interpreted as likely pathogenic.

Dan Cohn Lab, University Of California Los Angeles
Classification: Pathogenic for Asphyxiating thoracic dystrophy. Last evaluated: 2017-06-01. Review status: no assertion criteria provided. Collection method: research. Allele origin: unknown. Affected: yes. Not counted in ClinVar's aggregate classification.

University of Washington Center for Mendelian Genomics, University of Washington
Classification: Likely pathogenic for asphyxiating thoracic dystrophy. Review status: no assertion criteria provided. Collection method: research. Allele origin: inherited. Affected: yes. Not counted in ClinVar's aggregate classification.

Literature cited by the submitters: PubMed 29068549 (cited by 3 submitters).